The following is an entry in ClinVar:

NM_000088.4(COL1A1):c.3002del (p.Gly1001fs)

Gene: COL1A1 (collagen type I alpha 1 chain; minus strand). Cytogenetic location: 17q21.33.
Variant type: Deletion.
Coding change: c.3002del on transcript NM_000088.4 (MANE Select); coding-DNA position 3002, one base deleted (G; older notation c.3002delG).
Protein change: p.Gly1001fs; shifts the reading frame from glycine 1001.
Molecular consequence: frameshift variant.
Genome position (GRCh38, 1-based): chr17:50,188,946, C deleted on the plus strand (G on the coding strand, the reverse complement: COL1A1 is on the minus strand); the first of 3 consecutive C bases (chr17:50,188,946-50,188,948); deleting any one gives the same sequence. VCF-style (leftmost placement, unchanged base first): chr17-50188945-GC-G. GRCh37 (hg19) VCF-style: chr17-48266306-GC-G.
Other names: c.3002delG (NM_000088.3); short protein forms G1001fs.
Identifiers: ClinVar variation 645708 (VCV000645708.10), dbSNP rs1598288593, ClinGen allele CA915950600.

ClinVar aggregate classification (germline): Pathogenic (1 of 4 stars; one submission).

Conditions:
Osteogenesis imperfecta type I (OI1). Also called: OI, TYPE I; OSTEOGENESIS IMPERFECTA TARDA; OSTEOGENESIS IMPERFECTA WITH BLUE SCLERAE; Classic Non-deforming Osteogenesis Imperfecta with Blue Sclerae; Lobstein's Disease; Lobstein disease. Identifiers: Orphanet 216796, Orphanet 666, MedGen C0023931, MONDO:0008146, OMIM 166200. Disease mechanism: loss of function.

Submission:

Labcorp Genetics (formerly Invitae), Labcorp
Classification: Pathogenic for Osteogenesis imperfecta type I. Last evaluated: 2021-02-19. Review status: criteria provided, single submitter. Criteria: Invitae Variant Classification Sherloc (09022015). Collection method: clinical testing. Allele origin: germline.
Comment: This sequence change creates a premature translational stop signal (p.Gly1001Alafs*107) in the COL1A1 gene. It is expected to result in an absent or disrupted protein product. This variant is not present in population databases (ExAC no frequency). This variant has not been reported in the literature in individuals with COL1A1-related disease. Loss-of-function variants in COL1A1 are known to be pathogenic (PMID: 7942841, 9295084, 9443882). For these reasons, this variant has been classified as Pathogenic.

Literature cited by the submitters: PubMed 7942841; PubMed 9295084; PubMed 9443882.